The following is an entry in ClinVar:

NM_015629.4(PRPF31):c.528-3C>T

Gene: PRPF31 (pre-mRNA processing factor 31; plus strand). Cytogenetic location: 19q13.42.
Variant type: single nucleotide variant.
Coding change: c.528-3C>T on transcript NM_015629.4 (MANE Select); 3 bases into the intron before coding-DNA position 528, C replaced by T.
Molecular consequence: intron variant.
Genome position (GRCh38, 1-based): chr19:54,123,746, C>T. VCF-style: chr19-54123746-C-T. GRCh37 (hg19) VCF-style: chr19-54627125-C-T.
Identifiers: ClinVar variation 2980715 (VCV002980715.3), dbSNP rs1259701342, ClinGen allele CA883535548.

ClinVar aggregate classification (germline): Uncertain significance (1 of 4 stars; one submission).

Allele frequency attached by ClinVar (database versions not stated): gnomAD 0.00001; gnomAD exomes 0.00001; TOPMed 0.00001.
gnomAD v4.1: 20 of 1,608,152 alleles (0.0012%); highest among the groups gnomAD compares: Non-Finnish European, 0.0016%; no homozygotes.

Submission:

Labcorp Genetics (formerly Invitae), Labcorp
Classification: Uncertain significance. Last evaluated: 2024-11-04. Review status: criteria provided, single submitter. Criteria: Invitae Variant Classification Sherloc (09022015). Collection method: clinical testing. Allele origin: germline.
Comment: This sequence change falls in intron 6 of the PRPF31 gene. It does not directly change the encoded amino acid sequence of the PRPF31 protein. It affects a nucleotide within the consensus splice site. This variant is present in population databases (no rsID available, gnomAD 0.002%). This variant has not been reported in the literature in individuals affected with PRPF31-related conditions. ClinVar contains an entry for this variant (Variation ID: 2980715). Variants that disrupt the consensus splice site are a relatively common cause of aberrant splicing (PMID: 17576681, 9536098). Algorithms developed to predict the effect of sequence changes on RNA splicing suggest that this variant is not likely to affect RNA splicing. In summary, the available evidence is currently insufficient to determine the role of this variant in disease. Therefore, it has been classified as a Variant of Uncertain Significance.

Literature cited by the submitters: PubMed 17576681; PubMed 9536098.